The following is an entry in ClinVar:

ClinVar aggregate classification (germline): Likely benign. Review status: criteria provided, single submitter (1 of 4 stars). 2 submissions from 2 submitters: Likely benign (1). 1 of the submissions does not count toward it. Last evaluated 2025-06-06.

Conditions:
CORO1A-related disorder. Also called: CORO1A-related condition.
Severe combined immunodeficiency due to CORO1A deficiency. Also called: Immunodeficiency 8; IMMUNODEFICIENCY 8 WITH LYMPHOPROLIFERATION. Identifiers: Orphanet 228003, MedGen C3809383, MONDO:0014168, OMIM 615401.

Allele frequency attached by ClinVar (database versions not stated): ExAC 0.00001; gnomAD 0.00001; TOPMed 0.00001.
gnomAD v4.1: 7 of 1,613,154 alleles (0.00043%); highest among the groups gnomAD compares: Non-Finnish European, 0.00051%; no homozygotes.

Submissions (2):

Labcorp Genetics (formerly Invitae), Labcorp
Classification: Likely benign for Severe combined immunodeficiency due to CORO1A deficiency. Last evaluated: 2025-06-06. Review status: criteria provided, single submitter. Criteria: Invitae Variant Classification Sherloc (09022015). Collection method: clinical testing. Allele origin: germline.

PreventionGenetics, part of Exact Sciences
Classification: Likely benign for CORO1A-related condition. Last evaluated: 2022-05-17. Review status: no assertion criteria provided. Collection method: clinical testing. Allele origin: germline. Not counted in ClinVar's aggregate classification.
Comment: This variant is classified as likely benign based on ACMG/AMP sequence variant interpretation guidelines (Richards et al. 2015 PMID: 25741868, with internal and published modifications).

NM_007074.4(CORO1A):c.255A>T (p.Leu85=)

Gene: CORO1A (coronin 1A; plus strand). Cytogenetic location: 16p11.2.
Variant type: single nucleotide variant.
Coding change: c.255A>T on transcript NM_007074.4 (MANE Select); coding-DNA position 255, A replaced by T.
Protein change: p.Leu85=; no amino-acid change (leucine 85 retained).
Molecular consequence: synonymous variant.
Genome position (GRCh38, 1-based): chr16:30,186,654, A>T. VCF-style: chr16-30186654-A-T. GRCh37 (hg19) VCF-style: chr16-30197975-A-T.
Other names: c.255A>T, p.Leu85= (NM_001193333.3); c.255A>T (NM_007074.3).
Identifiers: ClinVar variation 2181046 (VCV002181046.6), dbSNP rs773468991, ClinGen allele CA8003066.
Genomic context (GRCh38, chr16:30,186,654, plus strand): 5'-TTAGACTGGACGTGTGGACAAGAATGCGCCCACGGTCTGTGGCCACACAGCCCCTGTGCT[A>T]GACATCGCCTGGTGCCCGCACAATGACAACGTCATTGCCAGTGGCTCCGAGGACTGCACA-3'
Protein context (NP_009005.1, residues 75-95): PTVCGHTAPV[Leu85=]DIAWCPHNDN